The following is an entry in ClinVar:

ClinVar aggregate classification (germline): Uncertain significance (1 of 4 stars; one submission).

gnomAD v4.1: 63 of 1,613,760 alleles (0.0039%); highest among the groups gnomAD compares: Admixed American, 0.01%; 1 homozygote.

Submission:

Labcorp Genetics (formerly Invitae), Labcorp
Classification: Uncertain significance. Last evaluated: 2025-11-27. Review status: criteria provided, single submitter. Criteria: Invitae Variant Classification Sherloc (09022015). Collection method: clinical testing. Allele origin: germline.
Comment: This sequence change replaces histidine, which is basic and polar, with glutamine, which is neutral and polar, at codon 1600 of the LRP6 protein (p.His1600Gln). This variant is present in population databases (rs138902458, gnomAD 0.002%). This variant has not been reported in the literature in individuals affected with LRP6-related conditions. An algorithm developed to predict the effect of missense changes on protein structure and function (PolyPhen-2) suggests that this variant is likely to be tolerated. In summary, the available evidence is currently insufficient to determine the role of this variant in disease. Therefore, it has been classified as a Variant of Uncertain Significance.

NM_002336.3(LRP6):c.4800C>G (p.His1600Gln)

Gene: LRP6 (LDL receptor related protein 6; minus strand). Cytogenetic location: 12p13.2.
Variant type: single nucleotide variant.
Coding change: c.4800C>G on transcript NM_002336.3 (MANE Select); coding-DNA position 4800, C replaced by G.
Protein change: p.His1600Gln; replaces histidine 1600 with glutamine.
Molecular consequence: missense variant. On other transcripts: 3 prime UTR variant (1), non-coding transcript variant (1).
Genome position (GRCh38, 1-based): chr12:12,121,168, G>C on the plus strand (C>G on the coding strand, the complement: LRP6 is on the minus strand). VCF-style: chr12-12121168-G-C. GRCh37 (hg19) VCF-style: chr12-12274102-G-C.
Other names: c.4665C>G, p.His1555Gln (NM_001414246.1); c.4602C>G, p.His1534Gln (NM_001414247.1); c.*276C>G (NM_001414248.1); c.4437C>G, p.His1479Gln (NM_001414251.1); c.4347C>G, p.His1449Gln (NM_001414252.1, NM_001414253.1, NM_001414254.1); c.4293C>G, p.His1431Gln (NM_001414255.1); c.4893C>G, p.His1631Gln (NM_001414244.1); c.4800C>G, p.His1600Gln (NM_001414245.1); short protein forms H1431Q, H1555Q, H1534Q, H1600Q, H1631Q, H1449Q, H1479Q.
Identifiers: ClinVar variation 4753937 (VCV004753937.1).
Genomic context (GRCh38, chr12:12,121,168, plus strand): 5'-GAGGAGGAGGGCCCCTCCTCAGGAGGAGTCTGTACAGGGAGAGGGTGGCGGTGGGTAGAG[G>C]TGATGAGAATAGCTCCTCTCTGTGTATGGAGAAGGTGGGCAGCTTTCATAGTTCTCCTCT-3'
Protein context (NP_002327.2, residues 1590-1610): SPYTERSYSH[His1600Gln]LYPPPPSPCT